The following is an entry in ClinVar:

NM_004958.4(MTOR):c.5452C>T (p.Arg1818Cys)

Gene: MTOR (mechanistic target of rapamycin kinase; minus strand). Cytogenetic location: 1p36.22.
Variant type: single nucleotide variant.
Coding change: c.5452C>T on transcript NM_004958.4 (MANE Select); coding-DNA position 5452, C replaced by T.
Protein change: p.Arg1818Cys; replaces arginine 1818 with cysteine.
Molecular consequence: missense variant.
Genome position (GRCh38, 1-based): chr1:11,130,690, G>A on the plus strand (C>T on the coding strand, the complement: MTOR is on the minus strand). VCF-style: chr1-11130690-G-A. GRCh37 (hg19) VCF-style: chr1-11190747-G-A.
Other names: c.5452C>T, p.Arg1818Cys (NM_001386500.1); c.4204C>T, p.Arg1402Cys (NM_001386501.1); short protein forms R1402C, R1818C.
Identifiers: ClinVar variation 2857793 (VCV002857793.4), dbSNP rs759603938, ClinGen allele CA589346.
Genomic context (GRCh38, chr1:11,130,690, plus strand): 5'-CAGTGGCGGCCGTGGTGGCGGCAGTGGTGGCGTTGGTGATGTTGGCCCCGCTGGCATGAC[G>A]CAGTTTCTTCTTCTCATCGCGGGCTTGGTTCTGATGTTTGTAGTGTAGCACAGCTTCGAA-3'
Protein context (NP_004949.1, residues 1808-1828): NQARDEKKKL[Arg1818Cys]HASGANITNA

ClinVar aggregate classification (germline): Uncertain significance. Review status: criteria provided, multiple submitters, no conflicts (2 of 4 stars). 2 submissions from 2 submitters: Uncertain significance (2). Last evaluated 2026-05-21.

Conditions:
Inborn genetic diseases. Identifiers: MedGen C0950123, MeSH D030342.

Allele frequency attached by ClinVar (database versions not stated): TOPMed below 0.00001; gnomAD 0.00001; gnomAD exomes 0.00001; ExAC 0.00004.
gnomAD v4.1: 17 of 1,609,370 alleles (0.0011%); highest among the groups gnomAD compares: Middle Eastern, 0.016%; no homozygotes.

Submissions (2):

Ambry Genetics
Classification: Uncertain significance for Inborn genetic diseases. Last evaluated: 2026-05-21. Review status: criteria provided, single submitter. Criteria: Ambry Variant Classification Scheme 2023. Collection method: clinical testing. Allele origin: germline.
Comment: The c.5452C>T (p.R1818C) alteration is located in exon 39 (coding exon 38) of the MTOR gene. This alteration results from a C to T substitution at nucleotide position 5452, causing the arginine (R) at amino acid position 1818 to be replaced by a cysteine (C). Based on data from gnomAD, the T allele has an overall frequency of 0.002% (4/267706) total alleles studied. The highest observed frequency was 0.004% (1/23820) of African alleles. Based on insufficient or conflicting evidence, the clinical significance of this alteration remains unclear.

Labcorp Genetics (formerly Invitae), Labcorp
Classification: Uncertain significance. Last evaluated: 2023-07-07. Review status: criteria provided, single submitter. Criteria: Invitae Variant Classification Sherloc (09022015). Collection method: clinical testing. Allele origin: germline.
Comment: The frequency data for this variant in the population databases is considered unreliable, as metrics indicate poor data quality at this position in the gnomAD database. This sequence change replaces arginine, which is basic and polar, with cysteine, which is neutral and slightly polar, at codon 1818 of the MTOR protein (p.Arg1818Cys). This variant has not been reported in the literature in individuals affected with MTOR-related conditions. In summary, the available evidence is currently insufficient to determine the role of this variant in disease. Therefore, it has been classified as a Variant of Uncertain Significance. Advanced modeling of protein sequence and biophysical properties (such as structural, functional, and spatial information, amino acid conservation, physicochemical variation, residue mobility, and thermodynamic stability) performed at Invitae indicates that this missense variant is not expected to disrupt MTOR protein function.